The following is an entry in ClinVar:

ClinVar aggregate classification (germline): Uncertain significance (1 of 4 stars; one submission).

Conditions:
Familial thoracic aortic aneurysm and aortic dissection (TAAD). Also called: Thoracic aortic aneurysms and dissections. Identifiers: Orphanet 91387, MedGen C4707243, MONDO:0019625.

Submission:

Color Diagnostics, LLC DBA Color Health
Classification: Uncertain significance for Familial thoracic aortic aneurysm and aortic dissection. Last evaluated: 2024-03-06. Review status: criteria provided, single submitter. Criteria: ACMG Guidelines, 2015. Collection method: clinical testing. Allele origin: germline.
Comment: This missense variant replaces proline with threonine at codon 2835 of the FBN1 protein. Computational prediction suggests that this variant may have deleterious impact on protein structure and function (internally defined REVEL score threshold >= 0.7, PMID: 27666373). To our knowledge, functional studies have not been reported for this variant. This variant has not been reported in individuals affected with cardiovascular disorders in the literature. This variant has not been identified in the general population by the Genome Aggregation Database (gnomAD). The available evidence is insufficient to determine the role of this variant in disease conclusively. Therefore, this variant is classified as a Variant of Uncertain Significance.

NM_000138.5(FBN1):c.8503C>A (p.Pro2835Thr)

Gene: FBN1 (fibrillin 1; minus strand). Cytogenetic location: 15q21.1.
Variant type: single nucleotide variant.
Coding change: c.8503C>A on transcript NM_000138.5 (MANE Select); coding-DNA position 8503, C replaced by A.
Protein change: p.Pro2835Thr; replaces proline 2835 with threonine.
Molecular consequence: missense variant.
Genome position (GRCh38, 1-based): chr15:48,411,103, G>T on the plus strand (C>A on the coding strand, the complement: FBN1 is on the minus strand). VCF-style: chr15-48411103-G-T. GRCh37 (hg19) VCF-style: chr15-48703300-G-T.
Other names: c.8503C>A, p.Pro2835Thr (NM_001406716.1); short protein forms P2835T.
Identifiers: ClinVar variation 2775393 (VCV002775393.2), dbSNP rs2505370727, ClinGen allele CA392318776.